The following is an entry in ClinVar:

NM_003640.5(ELP1):c.3188T>C (p.Ile1063Thr)

Gene: ELP1 (elongator acetyltransferase complex subunit 1; minus strand). Cytogenetic location: 9q31.3.
Variant type: single nucleotide variant.
Coding change: c.3188T>C on transcript NM_003640.5 (MANE Select); coding-DNA position 3188, T replaced by C.
Protein change: p.Ile1063Thr; replaces isoleucine 1063 with threonine.
Molecular consequence: missense variant.
Genome position (GRCh38, 1-based): chr9:108,889,366, A>G on the plus strand (T>C on the coding strand, the complement: ELP1 is on the minus strand). VCF-style: chr9-108889366-A-G. GRCh37 (hg19) VCF-style: chr9-111651646-A-G.
Other names: c.2846T>C, p.Ile949Thr (NM_001318360.2); c.2141T>C, p.Ile714Thr (NM_001330749.2); c.3188T>C (NM_003640.3); short protein forms I1063T, I949T, I714T.
Identifiers: ClinVar variation 1467347 (VCV001467347.6), dbSNP rs754831171, ClinGen allele CA5174396.
Genomic context (GRCh38, chr9:108,889,366, plus strand): 5'-GTTTAGAAGGGAGGAATTGAGTTTACCTGGGCACACTCTTCCAAAACCATGGCCGCATCA[A>G]TGTGCTTCCTCTGCTCAACCAGCTTTCCTGTAGAGACAATAAGCAGCAGTTGACTACAAA-3'
Protein context (NP_003631.2, residues 1053-1073): AGKLVEQRKH[Ile1063Thr]DAAMVLEECA

ClinVar aggregate classification (germline): Uncertain significance. Review status: criteria provided, multiple submitters, no conflicts (2 of 4 stars). 3 submissions from 3 submitters: Uncertain significance (3). Last evaluated 2025-10-23.

Conditions:
Medulloblastoma (MDB). Also called: Medulloblastoma, somatic; MEDULLOBLASTOMA PREDISPOSITION SYNDROME. Identifiers: Orphanet 616, MedGen C0025149, MeSH D008527, MONDO:0007959, OMIM 155255, HP:0002885.
Familial dysautonomia. Also called: FD; HSAN III. Identifiers: Orphanet 1764, MedGen C0013364, MONDO:0009131, OMIM 223900. Disease mechanism: loss of function.

Allele frequency attached by ClinVar (database versions not stated): gnomAD exomes below 0.00001; ExAC 0.00001; TOPMed 0.00003; gnomAD 0.00005.
gnomAD v4.1: 12 of 1,614,064 alleles (0.00074%); highest among the groups gnomAD compares: African/African-American, 0.012%; no homozygotes.

Submissions (3):

Ambry Genetics
Classification: Uncertain significance. Last evaluated: 2025-10-23. Review status: criteria provided, single submitter. Criteria: Ambry Variant Classification Scheme 2023. Collection method: clinical testing. Allele origin: germline.

Fulgent Genetics
Classification: Uncertain significance for Medulloblastoma; Familial dysautonomia. Last evaluated: 2022-03-21. Review status: criteria provided, single submitter. Criteria: ACMG Guidelines, 2015. Collection method: clinical testing. Allele origin: unknown.

Labcorp Genetics (formerly Invitae), Labcorp
Classification: Uncertain significance. Last evaluated: 2021-12-13. Review status: criteria provided, single submitter. Criteria: Invitae Variant Classification Sherloc (09022015). Collection method: clinical testing. Allele origin: germline.
Comment: This sequence change replaces isoleucine, which is neutral and non-polar, with threonine, which is neutral and polar, at codon 1063 of the ELP1 protein (p.Ile1063Thr). This variant is present in population databases (rs754831171, gnomAD 0.01%). This variant has not been reported in the literature in individuals affected with ELP1-related conditions. Algorithms developed to predict the effect of missense changes on protein structure and function (SIFT, PolyPhen-2, Align-GVGD) all suggest that this variant is likely to be tolerated. In summary, the available evidence is currently insufficient to determine the role of this variant in disease. Therefore, it has been classified as a Variant of Uncertain Significance.